The following is an entry in ClinVar:

NM_207122.2(EXT2):c.1124_1125del (p.Ser375fs)

Gene: EXT2 (exostosin glycosyltransferase 2; plus strand). Cytogenetic location: 11p11.2.
Variant type: Deletion.
Coding change: c.1124_1125del on transcript NM_207122.2 (MANE Select); coding-DNA positions 1124 to 1125, 2 bases deleted (GT; older notation c.1124_1125delGT).
Protein change: p.Ser375fs; shifts the reading frame from serine 375.
Molecular consequence: frameshift variant.
Genome position (GRCh38, 1-based): chr11:44,130,089-44,130,090, GT deleted. VCF-style (leftmost placement, unchanged base first): chr11-44130088-AGT-A. GRCh37 (hg19) VCF-style: chr11-44151638-AGT-A.
Other names: c.1223_1224del, p.Ser408fs (NM_000401.3); c.1124_1125del, p.Ser375fs (NM_001178083.3, NM_001389628.1, NM_001389630.1); short protein forms S375fs, S408fs.
Identifiers: ClinVar variation 949813 (VCV000949813.8), dbSNP rs1954470017, ClinGen allele CA1139661904.

ClinVar aggregate classification (germline): Pathogenic (1 of 4 stars; one submission).

Conditions:
Exostoses, multiple, type 2 (EXT2). Also called: Hereditary Multiple Osteochondromatosis, Type II; EXOSTOSES, MULTIPLE, TYPE II. Identifiers: Orphanet 321, MedGen C1851413, MONDO:0007586, OMIM 133701.

Submission:

Labcorp Genetics (formerly Invitae), Labcorp
Classification: Pathogenic for Exostoses, multiple, type 2. Last evaluated: 2019-07-09. Review status: criteria provided, single submitter. Criteria: Invitae Variant Classification Sherloc (09022015). Collection method: clinical testing. Allele origin: germline.
Comment: Loss-of-function variants in EXT2 are known to be pathogenic (PMID: 10679937, 19810120). For these reasons, this variant has been classified as Pathogenic. This variant has not been reported in the literature in individuals with EXT2-related conditions. This variant is not present in population databases (ExAC no frequency). This sequence change creates a premature translational stop signal (p.Ser375Asnfs*11) in the EXT2 gene. It is expected to result in an absent or disrupted protein product.

Literature cited by the submitters: PubMed 10679937; PubMed 19810120.